The following is an entry in ClinVar:

NC_000015.10:g.(?_67181221)_(67181473_?)del

Gene: SMAD3 (SMAD family member 3; plus strand). Cytogenetic location: 15q22.33.
Variant type: Deletion.
Identifiers: ClinVar variation 584063 (VCV000584063.10).

ClinVar aggregate classification (germline): Pathogenic (1 of 4 stars; one submission).

Conditions:
Familial thoracic aortic aneurysm and aortic dissection (TAAD). Also called: Thoracic aortic aneurysms and dissections. Identifiers: Orphanet 91387, MedGen C4707243, MONDO:0019625.

Submission:

Labcorp Genetics (formerly Invitae), Labcorp
Classification: Pathogenic for Familial thoracic aortic aneurysm and aortic dissection. Last evaluated: 2022-10-10. Review status: criteria provided, single submitter. Criteria: Invitae Variant Classification Sherloc (09022015). Collection method: clinical testing. Allele origin: germline.
Comment: For these reasons, this variant has been classified as Pathogenic. This variant disrupts the p.Arg268 amino acid residue in SMAD3. Other variant(s) that disrupt this residue have been determined to be pathogenic (PMID: 25944730, 26854089). This suggests that this residue is clinically significant, and that variants that disrupt this residue are likely to be disease-causing. A similar copy number variant has been observed in individual(s) with thoracic aortic aneurysms and dissections (PMID: 29907982; Invitae). It has also been observed to segregate with disease in related individuals. This variant is a gross deletion of the genomic region encompassing exon(s) 6 of the SMAD3 gene. This variant would be expected to be in-frame, preserving the integrity of the reading frame.

Literature cited by the submitters: PubMed 25944730; PubMed 26854089; PubMed 29907982.